The following is an entry in ClinVar:

NM_144973.4(DENND5B):c.3712A>G (p.Ser1238Gly)

Gene: DENND5B (DENN domain containing 5B; minus strand). Cytogenetic location: 12p11.21.
Variant type: single nucleotide variant.
Coding change: c.3712A>G on transcript NM_144973.4 (MANE Select); coding-DNA position 3712, A replaced by G.
Protein change: p.Ser1238Gly; replaces serine 1238 with glycine.
Molecular consequence: missense variant.
Genome position (GRCh38, 1-based): chr12:31,387,716, T>C on the plus strand (A>G on the coding strand, the complement: DENND5B is on the minus strand). VCF-style: chr12-31387716-T-C. GRCh37 (hg19) VCF-style: chr12-31540650-T-C.
Other names: c.3817A>G, p.Ser1273Gly (NM_001308339.2); short protein forms S1238G, S1273G.
Identifiers: ClinVar variation 3363921 (VCV003363921.1).

ClinVar aggregate classification (germline): Uncertain significance (1 of 4 stars; one submission).

Submission:

GeneDx
Classification: Uncertain significance. Last evaluated: 2023-11-06. Review status: criteria provided, single submitter. Criteria: GeneDx Variant Classification Process June 2021. Collection method: clinical testing. Allele origin: germline. Affected: yes.
Comment: Not observed at significant frequency in large population cohorts (gnomAD); In silico analysis supports that this missense variant does not alter protein structure/function; Has not been previously published as pathogenic or benign to our knowledge; Variants in candidate genes are classified as variants of uncertain significance in accordance with ACMG guidelines (PMID: 25741868)